The following is an entry in ClinVar:

ClinVar aggregate classification (germline): Likely pathogenic (1 of 4 stars; one submission).

Conditions:
Congenital microcephaly - severe encephalopathy - progressive cerebral atrophy syndrome. Also called: ASNS DEFICIENCY; Asparagine synthetase deficiency. Identifiers: Orphanet 391376, MedGen C3809971, MONDO:0014258, OMIM 615574.

Submission:

Natera, Inc.
Classification: Likely pathogenic for Asparagine synthetase deficiency. Last evaluated: 2025-04-25. Review status: criteria provided, single submitter. Criteria: Natera Variant Classification Schema (03/2026). Collection method: clinical testing. Allele origin: germline.
Comment: The c.1548T>G variant in ASNS is a nonsense variant predicted to introduce a stop codon at amino acid 516. This variant is expected to result in nonsense mediated decay, truncation, or a dysfunctional protein product. This variant is rare in the general population with a frequency below the threshold expected for the associated phenotype(s). Given the available evidence, this variant is classified as Likely Pathogenic.

NM_001673.5(ASNS):c.1548T>G (p.Tyr516Ter)

Genes: ASNS (asparagine synthetase (glutamine-hydrolyzing); minus strand), CZ1P-ASNS (CZ1P-ASNS readthrough; minus strand). Cytogenetic location: 7q21.3.
Variant type: single nucleotide variant.
Coding change: c.1548T>G on transcript NM_001673.5 (MANE Select); coding-DNA position 1548, T replaced by G.
Protein change: p.Tyr516Ter; replaces tyrosine 516 with a stop codon.
Molecular consequence: nonsense. On other transcripts: non-coding transcript variant (1).
Genome position (GRCh38, 1-based): chr7:97,852,397, A>C on the plus strand (T>G on the coding strand, the complement: ASNS is on the minus strand). VCF-style: chr7-97852397-A-C. GRCh37 (hg19) VCF-style: chr7-97481709-A-C.
Other names: c.1548T>G, p.Tyr516Ter (NM_133436.3, NM_183356.4, NM_001352496.2); c.1485T>G, p.Tyr495Ter (NM_001178075.2); c.1299T>G, p.Tyr433Ter (NM_001178076.2, NM_001178077.1); short protein forms Y433*, Y495*, Y516*.
Identifiers: ClinVar variation 4816502 (VCV004816502.1).